The following is an entry in ClinVar:

NM_000143.4(FH):c.93_132+211del

Genes: FH (fumarate hydratase; minus strand), LOC129932888 (ATAC-STARR-seq lymphoblastoid silent region 2007; plus strand). Cytogenetic location: 1q43.
Variant type: Deletion.
Coding change: c.93_132+211del on transcript NM_000143.4 (MANE Select); coding-DNA position 93 through 211 bases into the intron after coding-DNA position 132, 251 bases deleted.
Molecular consequence: splice donor variant.
Genome position (GRCh38, 1-based): chr1:241,519,380-241,519,630, 251 bases deleted. GRCh37 (hg19): chr1:241,682,684-241,682,934.
Identifiers: ClinVar variation 3639323 (VCV003639323.2).

ClinVar aggregate classification (germline): Likely pathogenic (1 of 4 stars; one submission).

Submission:

Labcorp Genetics (formerly Invitae), Labcorp
Classification: Likely pathogenic. Last evaluated: 2024-02-06. Review status: criteria provided, single submitter. Criteria: Invitae Variant Classification Sherloc (09022015). Collection method: clinical testing. Allele origin: germline.
Comment: This variant results in the deletion of part of exon 1 (c.93_132+211del) of the FH gene. It is expected to disrupt RNA splicing. Variants that disrupt the donor or acceptor splice site typically lead to a loss of protein function (PMID: 16199547), and loss-of-function variants in FH are known to be pathogenic (PMID: 11865300, 21398687). This variant is not present in population databases (gnomAD no frequency). This variant has not been reported in the literature in individuals affected with FH-related conditions. In summary, the currently available evidence indicates that the variant is pathogenic, but additional data are needed to prove that conclusively. Therefore, this variant has been classified as Likely Pathogenic.

Literature cited by the submitters: PubMed 16199547; PubMed 11865300; PubMed 21398687.